The following is an entry in ClinVar:

NM_052947.4(ALPK2):c.1774G>C (p.Gly592Arg)

Gene: ALPK2 (alpha kinase 2; minus strand). Cytogenetic location: 18q21.31.
Variant type: single nucleotide variant.
Coding change: c.1774G>C on transcript NM_052947.4 (MANE Select); coding-DNA position 1774, G replaced by C.
Protein change: p.Gly592Arg; replaces glycine 592 with arginine.
Molecular consequence: missense variant.
Genome position (GRCh38, 1-based): chr18:58,579,002, C>G on the plus strand (G>C on the coding strand, the complement: ALPK2 is on the minus strand). VCF-style: chr18-58579002-C-G. GRCh37 (hg19) VCF-style: chr18-56246234-C-G.
Other names: short protein forms G592R.
Identifiers: ClinVar variation 2449316 (VCV002449316.2), dbSNP rs2051938965, ClinGen allele CA402560285.

ClinVar aggregate classification (germline): Uncertain significance (1 of 4 stars; one submission).

Submission:

Ambry Genetics
Classification: Uncertain significance. Last evaluated: 2023-03-12. Review status: criteria provided, single submitter. Criteria: Ambry Variant Classification Scheme 2023. Collection method: clinical testing. Allele origin: germline.
Comment: The p.G592R variant (also known as c.1774G>C), located in coding exon 3 of the ALPK2 gene, results from a G to C substitution at nucleotide position 1774. The glycine at codon 592 is replaced by arginine, an amino acid with dissimilar properties. This amino acid position is conserved. In addition, this alteration is predicted to be tolerated by in silico analysis. Since supporting evidence is limited at this time, the clinical significance of this alteration remains unclear.